The following is an entry in ClinVar:

ClinVar aggregate classification (germline): Uncertain significance. Review status: criteria provided, multiple submitters, no conflicts (2 of 4 stars). 2 submissions from 2 submitters: Uncertain significance (2). Last evaluated 2025-05-02.

Conditions:
COL17A1-related disorder. Also called: COL17A1-related condition.
Inborn genetic diseases. Identifiers: MedGen C0950123, MeSH D030342.

Allele frequency attached by ClinVar (database versions not stated): ExAC 0.00002.
gnomAD v4.1: 82 of 1,585,420 alleles (0.0052%); highest among the groups gnomAD compares: Middle Eastern, 0.017%; no homozygotes.

Submissions (2):

PreventionGenetics, part of Exact Sciences
Classification: Uncertain significance for COL17A1-related condition. Last evaluated: 2025-05-02. Review status: criteria provided, single submitter. Criteria: ACMG Guidelines, 2015. Collection method: clinical testing. Allele origin: germline.
Comment: The COL17A1 c.4288T>A variant is predicted to result in the amino acid substitution p.Phe1430Ile. To our knowledge, this variant has not been reported in the literature. This variant is reported in 0.0022% of alleles in individuals of European (Non-Finnish) descent in gnomAD. At this time, the clinical significance of this variant is uncertain due to the absence of conclusive functional and genetic evidence.

Ambry Genetics
Classification: Uncertain significance for Inborn genetic diseases. Last evaluated: 2024-07-14. Review status: criteria provided, single submitter. Criteria: Ambry Variant Classification Scheme 2023. Collection method: clinical testing. Allele origin: germline.

NM_000494.4(COL17A1):c.4288T>A (p.Phe1430Ile)

Gene: COL17A1 (collagen type XVII alpha 1 chain; minus strand). Cytogenetic location: 10q25.1.
Variant type: single nucleotide variant.
Coding change: c.4288T>A on transcript NM_000494.4 (MANE Select); coding-DNA position 4288, T replaced by A.
Protein change: p.Phe1430Ile; replaces phenylalanine 1430 with isoleucine.
Molecular consequence: missense variant.
Genome position (GRCh38, 1-based): chr10:104,033,244, A>T on the plus strand (T>A on the coding strand, the complement: COL17A1 is on the minus strand). VCF-style: chr10-104033244-A-T. GRCh37 (hg19) VCF-style: chr10-105793002-A-T.
Other names: short protein forms F1430I.
Identifiers: ClinVar variation 2353841 (VCV002353841.4), dbSNP rs776253352, ClinGen allele CA5677653.